The following is an entry in ClinVar:

ClinVar aggregate classification (germline): Likely benign. Review status: criteria provided, multiple submitters, no conflicts (2 of 4 stars). 4 submissions from 4 submitters: Likely benign (4). Last evaluated 2026-03-18.

Conditions:
LAMA5-related disorder. Also called: LAMA5-Related Disorders; LAMA5-related condition.

Allele frequency attached by ClinVar (database versions not stated): ESP Exome Variant Server 0.00015; gnomAD exomes 0.00027 and 0.00052; 1000 Genomes Project 30x 0.00031; 1000 Genomes Project 0.00040; gnomAD 0.00042; ExAC 0.00047.
gnomAD v4.1: 492 of 1,612,582 alleles (0.031%); highest among the groups gnomAD compares: Middle Eastern, 0.5%; no homozygotes.

Submissions (4):

PreventionGenetics, part of Exact Sciences
Classification: Likely benign for LAMA5-related condition. Last evaluated: 2026-03-18. Review status: criteria provided, single submitter. Criteria: ACMG Guidelines, 2015. Collection method: clinical testing. Allele origin: germline.
Comment: This variant is classified as likely benign based on ACMG/AMP sequence variant interpretation guidelines (Richards et al. 2015 PMID: 25741868, with internal and published modifications).

Labcorp Genetics (formerly Invitae), Labcorp
Classification: Likely benign. Last evaluated: 2025-12-20. Review status: criteria provided, single submitter. Criteria: Invitae Variant Classification Sherloc (09022015). Collection method: clinical testing. Allele origin: germline.

CeGaT Center for Human Genetics Tuebingen
Classification: Likely benign. Last evaluated: 2023-12-01. Review status: criteria provided, single submitter. Criteria: CeGaT Center For Human Genetics Tuebingen Variant Classification Criteria Version 2. Collection method: clinical testing. Allele origin: germline. Affected: yes. Observed: 1 variant allele.
Comment: LAMA5: BP4

Breakthrough Genomics
Classification: Likely benign. Review status: criteria provided, single submitter. Criteria: ACMG Guidelines, 2015. Collection method: not provided. Allele origin: germline. Inheritance: Autosomal recessive inheritance. Affected: yes.

NM_005560.6(LAMA5):c.3467G>A (p.Arg1156Gln)

Gene: LAMA5 (laminin subunit alpha 5; minus strand). Cytogenetic location: 20q13.33.
Variant type: single nucleotide variant.
Coding change: c.3467G>A on transcript NM_005560.6 (MANE Select); coding-DNA position 3467, G replaced by A.
Protein change: p.Arg1156Gln; replaces arginine 1156 with glutamine.
Molecular consequence: missense variant.
Genome position (GRCh38, 1-based): chr20:62,332,457, C>T on the plus strand (G>A on the coding strand, the complement: LAMA5 is on the minus strand). VCF-style: chr20-62332457-C-T. GRCh37 (hg19) VCF-style: chr20-60907513-C-T.
Other names: c.3467G>A (NM_005560.4); short protein forms R1156Q.
Identifiers: ClinVar variation 1658735 (VCV001658735.32), dbSNP rs143551466, ClinGen allele CA9942985.